The following is an entry in ClinVar:

ClinVar aggregate classification (germline): Conflicting classifications of pathogenicity. Review status: criteria provided, conflicting classifications (1 of 4 stars). 2 submissions from 2 submitters: Uncertain significance (1); Benign (1). Last evaluated 2024-03-26.

Conditions:
Tuberous sclerosis 2 (TSC2). Identifiers: Orphanet 805, MedGen C1860707, MONDO:0013199, OMIM 613254.
Hereditary cancer-predisposing syndrome. Also called: Neoplastic Syndromes, Hereditary; Tumor predisposition; Hereditary Cancer Syndrome; Hereditary neoplastic syndrome. Identifiers: Orphanet 140162, MedGen C0027672, MeSH D009386, MONDO:0015356.

Allele frequency attached by ClinVar (database versions not stated): gnomAD exomes below 0.00001; gnomAD 0.00001; TOPMed 0.00002.
gnomAD v4.1: 7 of 1,614,076 alleles (0.00043%); highest among the groups gnomAD compares: Non-Finnish European, 0.00059%; no homozygotes.

Submissions (2):

Labcorp Genetics (formerly Invitae), Labcorp
Classification: Benign for Tuberous sclerosis 2. Last evaluated: 2024-03-26. Review status: criteria provided, single submitter. Criteria: Invitae Variant Classification Sherloc (09022015). Collection method: clinical testing. Allele origin: germline.

Ambry Genetics
Classification: Uncertain significance for Hereditary cancer-predisposing syndrome. Last evaluated: 2022-06-27. Review status: criteria provided, single submitter. Criteria: Ambry Variant Classification Scheme 2023. Collection method: clinical testing. Allele origin: germline.
Comment: The p.Q166R variant (also known as c.497A>G), located in coding exon 5 of the TSC2 gene, results from an A to G substitution at nucleotide position 497. The glutamine at codon 166 is replaced by arginine, an amino acid with highly similar properties. This amino acid position is well conserved in available vertebrate species. In addition, the in silico prediction for this alteration is inconclusive. Since supporting evidence is limited at this time, the clinical significance of this alteration remains unclear.

NM_000548.5(TSC2):c.497A>G (p.Gln166Arg)

Gene: TSC2 (TSC complex subunit 2; plus strand). Cytogenetic location: 16p13.3.
Variant type: single nucleotide variant.
Coding change: c.497A>G on transcript NM_000548.5 (MANE Select); coding-DNA position 497, A replaced by G.
Protein change: p.Gln166Arg; replaces glutamine 166 with arginine.
Molecular consequence: missense variant. On other transcripts: intron variant (1).
Genome position (GRCh38, 1-based): chr16:2,055,417, A>G. VCF-style: chr16-2055417-A-G. GRCh37 (hg19) VCF-style: chr16-2105418-A-G.
Other names: c.497A>G, p.Gln166Arg (NM_001077183.3, NM_001114382.3, NM_001363528.2 and 8 more transcripts); c.386A>G, p.Gln129Arg (NM_001318827.2, NM_001406670.1, NM_001406678.1); c.350A>G, p.Gln117Arg (NM_001318829.2, NM_001406675.1, NM_001406676.1 and 1 more transcripts); c.530A>G, p.Gln177Arg (NM_001318832.2); c.587A>G, p.Gln196Arg (NM_001406668.1, NM_001406667.1); c.440A>G, p.Gln147Arg (NM_001406677.1); c.-320A>G (NM_001406680.1, NM_001406683.1, NM_001406687.1); c.-935A>G (NM_001406689.1, NM_001406690.1, NM_001406691.1 and 2 more transcripts); and 5 more; short protein forms Q129R, Q147R, Q166R, Q196R, Q177R, Q117R.
Identifiers: ClinVar variation 1744511 (VCV001744511.7), dbSNP rs954041989, ClinGen allele CA276771986.